The following is an entry in ClinVar:

NM_004958.4(MTOR):c.3520A>T (p.Met1174Leu)

Gene: MTOR (mechanistic target of rapamycin kinase; minus strand). Cytogenetic location: 1p36.22.
Variant type: single nucleotide variant.
Coding change: c.3520A>T on transcript NM_004958.4 (MANE Select); coding-DNA position 3520, A replaced by T.
Protein change: p.Met1174Leu; replaces methionine 1174 with leucine.
Molecular consequence: missense variant.
Genome position (GRCh38, 1-based): chr1:11,212,353, T>A on the plus strand (A>T on the coding strand, the complement: MTOR is on the minus strand). VCF-style: chr1-11212353-T-A. GRCh37 (hg19) VCF-style: chr1-11272410-T-A.
Other names: c.3520A>T, p.Met1174Leu (NM_001386500.1); c.2272A>T, p.Met758Leu (NM_001386501.1); short protein forms M1174L, M758L.
Identifiers: ClinVar variation 1695643 (VCV001695643.2), dbSNP rs2100792881, ClinGen allele CA338372854.
Genomic context (GRCh38, chr1:11,212,353, plus strand): 5'-GTCCAGACTCCCATCTTACCTTCTTCCCCAGCTGAAAAACAAGTGAAGACAGCGTGTCCA[T>A]GGCTGTGGAGCGCAGTTCTGGGCTCTGGTCCAGTGTTCGAACAATAGGGTGAATGATCCG-3'
Protein context (NP_004949.1, residues 1164-1184): DQSPELRSTA[Met1174Leu]DTLSSLVFQL

ClinVar aggregate classification (germline): Uncertain significance (1 of 4 stars; one submission).

Submission:

GeneDx
Classification: Uncertain significance. Last evaluated: 2022-01-06. Review status: criteria provided, single submitter. Criteria: GeneDx Variant Classification Process June 2021. Collection method: clinical testing. Allele origin: germline. Affected: yes.
Comment: Not observed at significant frequency in large population cohorts (gnomAD); In silico analysis supports that this missense variant does not alter protein structure/function; Has not been previously published as pathogenic or benign to our knowledge